The following is an entry in ClinVar:

ClinVar aggregate classification (germline): Benign/Likely benign. Review status: criteria provided, multiple submitters, no conflicts (2 of 4 stars). 4 submissions from 4 submitters: Benign (2); Likely benign (2). Last evaluated 2026-01-24.

Allele frequency attached by ClinVar (database versions not stated): gnomAD 0.00001 and 0.00009; TOPMed 0.00005; 1000 Genomes Project 30x 0.00016; gnomAD exomes 0.00016 and 0.00032; 1000 Genomes Project 0.00020; ExAC 0.00041.
gnomAD v4.1: 240 of 1,613,590 alleles (0.015%); highest among the groups gnomAD compares: South Asian, 0.23%; 4 homozygotes.

Submissions (4):

Labcorp Genetics (formerly Invitae), Labcorp
Classification: Benign. Last evaluated: 2026-01-24. Review status: criteria provided, single submitter. Criteria: Invitae Variant Classification Sherloc (09022015). Collection method: clinical testing. Allele origin: germline.

Quest Diagnostics Nichols Institute San Juan Capistrano
Classification: Benign. Last evaluated: 2022-10-21. Review status: criteria provided, single submitter. Criteria: Quest Diagnostics criteria. Collection method: clinical testing. Allele origin: unknown.

Ambry Genetics
Classification: Likely benign. Last evaluated: 2022-02-12. Review status: criteria provided, single submitter. Criteria: Ambry Variant Classification Scheme 2023. Collection method: clinical testing. Allele origin: germline.

GeneDx
Classification: Likely benign. Last evaluated: 2021-04-05. Review status: criteria provided, single submitter. Criteria: GeneDx Variant Classification Process June 2021. Collection method: clinical testing. Allele origin: germline. Affected: yes.
Comment: This variant is associated with the following publications: (PMID: 29351780)

Literature cited by the submitters: PubMed 29351780 (cited by Quest Diagnostics Nichols Institute San Juan Capistrano).

NM_002907.4(RECQL):c.87G>A (p.Thr29=)

Gene: RECQL (RecQ like helicase; minus strand). Cytogenetic location: 12p12.1.
Variant type: single nucleotide variant.
Coding change: c.87G>A on transcript NM_002907.4 (MANE Select); coding-DNA position 87, G replaced by A.
Protein change: p.Thr29=; no amino-acid change (threonine 29 retained).
Molecular consequence: synonymous variant.
Genome position (GRCh38, 1-based): chr12:21,491,646, C>T on the plus strand (G>A on the coding strand, the complement: RECQL is on the minus strand). VCF-style: chr12-21491646-C-T. GRCh37 (hg19) VCF-style: chr12-21644580-C-T.
Other names: c.87G>A, p.Thr29= (NM_032941.3).
Identifiers: ClinVar variation 681027 (VCV000681027.14), dbSNP rs375011196, ClinGen allele CA6479207.